The following is an entry in ClinVar:

ClinVar aggregate classification (germline): Likely pathogenic (1 of 4 stars; one submission).

Conditions:
Hereditary spastic paraplegia 11. Also called: SPASTIC PARAPLEGIA, AUTOSOMAL RECESSIVE, COMPLICATED, WITH THIN CORPUS CALLOSUM; SPASTIC PARAPLEGIA, AUTOSOMAL RECESSIVE, WITH MENTAL IMPAIRMENT AND THIN CORPUS CALLOSUM; Spastic Paraplegia 11; Spastic paraplegia, mental retardation and thin corpus callosum; Nakamura Osame syndrome; Autosomal recessive hereditary spastic paraplegia, mental impairment, and thin corpus callosum. Identifiers: Orphanet 2822, MedGen C1858479, MONDO:0011445, OMIM 604360.

Submission:

Kariminejad - Najmabadi Pathology & Genetics Center
Classification: Likely pathogenic for Hereditary spastic paraplegia 11. Last evaluated: 2023-03-19. Review status: criteria provided, single submitter. Criteria: ACMG Guidelines, 2015. Collection method: clinical testing. Allele origin: germline. Inheritance: Autosomal recessive inheritance. Affected: yes.
Comment: PVS1,PM2

NM_025137.4(SPG11):c.3080_3111dup (p.Val1038delinsTyrMetLysHisThrLeuGlyLeuAsnPheTer)

Gene: SPG11 (SPG11 vesicle trafficking associated, spatacsin; minus strand). Cytogenetic location: 15q21.1.
Variant type: Duplication.
Coding change: c.3080_3111dup on transcript NM_025137.4 (MANE Select); coding-DNA positions 3080 to 3111, 32 bases duplicated.
Protein change: p.Val1038delinsTyrMetLysHisThrLeuGlyLeuAsnPheTer.
Molecular consequence: nonsense.
Genome position (GRCh38, 1-based): chr15:44,613,464-44,613,495, 32 bases duplicated. GRCh37 (hg19): chr15:44,905,662-44,905,693.
Other names: c.3080_3111dup, p.Val1038delinsTyrMetLysHisThrLeuGlyLeuAsnPheTer (NM_001160227.2, NM_001411132.1).
Identifiers: ClinVar variation 3897023 (VCV003897023.1).